The following is an entry in ClinVar:

ClinVar aggregate classification (germline): Uncertain significance (1 of 4 stars; one submission).

Conditions:
Epileptic encephalopathy. Identifiers: MedGen C0543888, HP:0200134.

Allele frequency attached by ClinVar (database versions not stated): TOPMed 0.00008; gnomAD 0.00010 and 0.00012; 1000 Genomes Project 0.00020; ExAC 0.00022; 1000 Genomes Project 30x 0.00031.

Submission:

Labcorp Genetics (formerly Invitae), Labcorp
Classification: Uncertain significance for Epileptic encephalopathy. Last evaluated: 2025-02-03. Review status: criteria provided, single submitter. Criteria: Invitae Variant Classification Sherloc (09022015). Collection method: clinical testing. Allele origin: germline.
Comment: This sequence change replaces serine, which is neutral and polar, with leucine, which is neutral and non-polar, at codon 1675 of the FASN protein (p.Ser1675Leu). This variant is present in population databases (rs549111161, gnomAD 0.05%). This variant has not been reported in the literature in individuals affected with FASN-related conditions. ClinVar contains an entry for this variant (Variation ID: 936635). An algorithm developed to predict the effect of missense changes on protein structure and function (PolyPhen-2) suggests that this variant is likely to be disruptive. In summary, the available evidence is currently insufficient to determine the role of this variant in disease. Therefore, it has been classified as a Variant of Uncertain Significance.

NM_004104.5(FASN):c.5024C>T (p.Ser1675Leu)

Gene: FASN (fatty acid synthase; minus strand). Cytogenetic location: 17q25.3.
Variant type: single nucleotide variant.
Coding change: c.5024C>T on transcript NM_004104.5 (MANE Select); coding-DNA position 5024, C replaced by T.
Protein change: p.Ser1675Leu; replaces serine 1675 with leucine.
Molecular consequence: missense variant.
Genome position (GRCh38, 1-based): chr17:82,084,049, G>A on the plus strand (C>T on the coding strand, the complement: FASN is on the minus strand). VCF-style: chr17-82084049-G-A. GRCh37 (hg19) VCF-style: chr17-80041925-G-A.
Other names: short protein forms S1675L.
Identifiers: ClinVar variation 936635 (VCV000936635.10), dbSNP rs549111161, ClinGen allele CA8851858.